The following is an entry in ClinVar:

NM_001605.3(AARS1):c.133G>C (p.Gly45Arg)

Gene: AARS1 (alanyl-tRNA synthetase 1; minus strand). Cytogenetic location: 16q22.1.
Variant type: single nucleotide variant.
Coding change: c.133G>C on transcript NM_001605.3 (MANE Select); coding-DNA position 133, G replaced by C.
Protein change: p.Gly45Arg; replaces glycine 45 with arginine.
Molecular consequence: missense variant.
Genome position (GRCh38, 1-based): chr16:70,282,631, C>G on the plus strand (G>C on the coding strand, the complement: AARS1 is on the minus strand). VCF-style: chr16-70282631-C-G. GRCh37 (hg19) VCF-style: chr16-70316534-C-G.
Other names: short protein forms G45R.
Identifiers: ClinVar variation 2849027 (VCV002849027.3), dbSNP rs1960729134, ClinGen allele CA396570340.

ClinVar aggregate classification (germline): Uncertain significance (1 of 4 stars; one submission).

Conditions:
Charcot-Marie-Tooth disease type 2. Also called: Charcot-Marie-Tooth type 2. Identifiers: Orphanet 64746, MedGen C0270914, MONDO:0018993.

Submission:

Labcorp Genetics (formerly Invitae), Labcorp
Classification: Uncertain significance for Charcot-Marie-Tooth disease type 2. Last evaluated: 2023-03-24. Review status: criteria provided, single submitter. Criteria: Invitae Variant Classification Sherloc (09022015). Collection method: clinical testing. Allele origin: germline.
Comment: This sequence change replaces glycine, which is neutral and non-polar, with arginine, which is basic and polar, at codon 45 of the AARS protein (p.Gly45Arg). This variant is not present in population databases (gnomAD no frequency). This variant has not been reported in the literature in individuals affected with AARS-related conditions. Advanced modeling of protein sequence and biophysical properties (such as structural, functional, and spatial information, amino acid conservation, physicochemical variation, residue mobility, and thermodynamic stability) performed at Invitae indicates that this missense variant is expected to disrupt AARS protein function. In summary, the available evidence is currently insufficient to determine the role of this variant in disease. Therefore, it has been classified as a Variant of Uncertain Significance.